The following is an entry in ClinVar:

NM_001206927.2(DNAH8):c.2420G>A (p.Arg807Gln)

Gene: DNAH8 (dynein axonemal heavy chain 8; plus strand). Cytogenetic location: 6p21.2.
Variant type: single nucleotide variant.
Coding change: c.2420G>A on transcript NM_001206927.2 (MANE Select); coding-DNA position 2420, G replaced by A.
Protein change: p.Arg807Gln; replaces arginine 807 with glutamine.
Molecular consequence: missense variant.
Genome position (GRCh38, 1-based): chr6:38,786,789, G>A. VCF-style: chr6-38786789-G-A. GRCh37 (hg19) VCF-style: chr6-38754565-G-A.
Other names: c.1769G>A, p.Arg590Gln (NM_001371.4); short protein forms R590Q, R807Q.
Identifiers: ClinVar variation 1210278 (VCV001210278.7), dbSNP rs1325804996, ClinGen allele CA363989907.
Genomic context (GRCh38, chr6:38,786,789, plus strand): 5'-TCAGAATGAGTAATGTCAATCATTATTTATTTGTAGCTTTACAAGCCACGCTTTTTGTGC[G>A]ACATCCAGAAACAGGGAAGTTGCTGGTTAATTTCGATCCCAAAATTTTGGAAGTTGTTCG-3'
Protein context (NP_001193856.1, residues 797-817): HYALQATLFV[Arg807Gln]HPETGKLLVN

ClinVar aggregate classification (germline): Uncertain significance. Review status: criteria provided, multiple submitters, no conflicts (2 of 4 stars). 2 submissions from 2 submitters: Uncertain significance (2). Last evaluated 2021-09-06.

Conditions:
Primary ciliary dyskinesia. Also called: Ciliary dyskinesia. Identifiers: Orphanet 244, MedGen C0008780, MONDO:0016575, HP:0012265.

Allele frequency attached by ClinVar (database versions not stated): gnomAD 0.00001; gnomAD exomes 0.00001; TOPMed 0.00003.

Submissions (2):

Labcorp Genetics (formerly Invitae), Labcorp
Classification: Uncertain significance for Primary ciliary dyskinesia. Last evaluated: 2021-09-06. Review status: criteria provided, single submitter. Criteria: Invitae Variant Classification Sherloc (09022015). Collection method: clinical testing. Allele origin: germline.
Comment: In summary, the available evidence is currently insufficient to determine the role of this variant in disease. Therefore, it has been classified as a Variant of Uncertain Significance. Algorithms developed to predict the effect of missense changes on protein structure and function are either unavailable or do not agree on the potential impact of this missense change (SIFT: "Deleterious"; PolyPhen-2: "Not Available"; Align-GVGD: "Class C0"). ClinVar contains an entry for this variant (Variation ID: 1210278). This variant has not been reported in the literature in individuals affected with DNAH8-related conditions. This variant is not present in population databases (ExAC no frequency). This sequence change replaces arginine with glutamine at codon 807 of the DNAH8 protein (p.Arg807Gln). The arginine residue is moderately conserved and there is a small physicochemical difference between arginine and glutamine.

UNC Molecular Genetics  Laboratory, University of North Carolina at Chapel Hill
Classification: Uncertain significance for Primary ciliary dyskinesia. Last evaluated: 2021-07-27. Review status: criteria provided, single submitter. Criteria: ACMG Guidelines, 2015. Collection method: clinical testing. Allele origin: germline. Observed: 1 heterozygote.